The following is an entry in ClinVar:

ClinVar aggregate classification (germline): Uncertain significance (1 of 4 stars; one submission).

Conditions:
Catecholaminergic polymorphic ventricular tachycardia 1. Also called: VENTRICULAR TACHYCARDIA, CATECHOLAMINERGIC POLYMORPHIC, 1, WITH OR WITHOUT ATRIAL DYSFUNCTION AND/OR DILATED CARDIOMYOPATHY; RYR2-Related Catecholaminergic Polymorphic Ventricular Tachycardia; VENTRICULAR TACHYCARDIA, STRESS-INDUCED POLYMORPHIC 1. Identifiers: Orphanet 3286, MedGen C1631597, MONDO:0011484, OMIM 604772.

Submission:

Labcorp Genetics (formerly Invitae), Labcorp
Classification: Uncertain significance for Catecholaminergic polymorphic ventricular tachycardia 1. Last evaluated: 2022-04-06. Review status: criteria provided, single submitter. Criteria: Invitae Variant Classification Sherloc (09022015). Collection method: clinical testing. Allele origin: germline.
Comment: This variant is a gross deletion of the genomic region encompassing exon(s) 10 of the TRDN gene. This variant would be expected to be in-frame, preserving the integrity of the reading frame. This variant has not been reported in the literature in individuals affected with TRDN-related conditions. Experimental studies and prediction algorithms are not available or were not evaluated, and the functional significance of this variant is currently unknown. In summary, the available evidence is currently insufficient to determine the role of this variant in disease. Therefore, it has been classified as a Variant of Uncertain Significance.

NC_000006.11:g.(?_123786031)_(123786148_?)del

Gene: TRDN (triadin; minus strand). Cytogenetic location: 6q22.31.
Variant type: Deletion.
Identifiers: ClinVar variation 2425491 (VCV002425491.3).